The following is an entry in ClinVar:

NM_000016.6(ACADM):c.600-1G>A

Gene: ACADM (acyl-CoA dehydrogenase medium chain; plus strand). Cytogenetic location: 1p31.1.
Variant type: single nucleotide variant.
Coding change: c.600-1G>A on transcript NM_000016.6 (MANE Select); the canonical splice acceptor site of the intron before coding-DNA position 600, G replaced by A.
Molecular consequence: splice acceptor variant.
Genome position (GRCh38, 1-based): chr1:75,745,805, G>A. VCF-style: chr1-75745805-G-A. GRCh37 (hg19) VCF-style: chr1-76211490-G-A.
Other names: c.600-1G>A (NM_000016.5); c.612-1G>A (NM_001127328.3); c.699-1G>A (NM_001286043.2); c.492-1G>A (NM_001286042.2); c.33-1G>A (NM_001286044.2).
Identifiers: ClinVar variation 1497729 (VCV001497729.9), dbSNP rs2100407767, ClinGen allele CA340815769.

ClinVar aggregate classification (germline): Likely pathogenic. Review status: criteria provided, multiple submitters, no conflicts (2 of 4 stars). 2 submissions from 2 submitters: Likely pathogenic (2). Last evaluated 2025-11-04.

Conditions:
Medium-chain acyl-coenzyme A dehydrogenase deficiency (ACADMD). Also called: MCAD Deficiency; ACADM DEFICIENCY; MCADH DEFICIENCY; MCADD; CARNITINE DEFICIENCY SECONDARY TO MEDIUM-CHAIN ACYL-CoA DEHYDROGENASE DEFICIENCY; Medium chain acyl-CoA dehydrogenase deficiency. Identifiers: Orphanet 42, MedGen C0220710, MONDO:0008721, OMIM 201450.

Submissions (2):

Natera, Inc.
Classification: Likely pathogenic for Medium Chain Acyl-CoA Dehydrogenase Deficiency. Last evaluated: 2025-11-04. Review status: criteria provided, single submitter. Criteria: Natera Variant Classification Schema (03/2026). Collection method: clinical testing. Allele origin: germline.
Comment: The c.600-1G>A variant in ACADM is a canonical splice acceptor site variant predicted to affect pre-mRNA splicing, which may result in an abnormal transcript and altered protein product. This variant is expected to result in nonsense mediated decay, truncation, or a dysfunctional protein product. This variant is rare in the general population with a frequency below the threshold expected for the associated phenotype(s). Given the available evidence, this variant is classified as Likely Pathogenic.

Labcorp Genetics (formerly Invitae), Labcorp
Classification: Likely pathogenic for Medium-chain acyl-coenzyme A dehydrogenase deficiency. Last evaluated: 2021-05-16. Review status: criteria provided, single submitter. Criteria: Invitae Variant Classification Sherloc (09022015). Collection method: clinical testing. Allele origin: germline.
Comment: In summary, the currently available evidence indicates that the variant is pathogenic, but additional data are needed to prove that conclusively. Therefore, this variant has been classified as Likely Pathogenic. Algorithms developed to predict the effect of sequence changes on RNA splicing suggest that this variant may disrupt the consensus splice site, but this prediction has not been confirmed by published transcriptional studies. This variant has not been reported in the literature in individuals with ACADM-related conditions. This variant is not present in population databases (ExAC no frequency). This sequence change affects an acceptor splice site in intron 7 of the ACADM gene. It is expected to disrupt RNA splicing. Variants that disrupt the donor or acceptor splice site typically lead to a loss of protein function (PMID: 16199547), and loss-of-function variants in ACADM are known to be pathogenic (PMID: 16121256, 20434380).

Literature cited by the submitters: PubMed 16199547 (cited by Labcorp Genetics (formerly Invitae), Labcorp); PubMed 16121256 (cited by Labcorp Genetics (formerly Invitae), Labcorp); PubMed 20434380 (cited by Labcorp Genetics (formerly Invitae), Labcorp).